The following is an entry in ClinVar:

NM_006506.5(RASA2):c.582T>G (p.Tyr194Ter)

Gene: RASA2 (RAS p21 protein activator 2; plus strand). Cytogenetic location: 3q23.
Variant type: single nucleotide variant.
Coding change: c.582T>G on transcript NM_006506.5 (MANE Select); coding-DNA position 582, T replaced by G.
Protein change: p.Tyr194Ter; replaces tyrosine 194 with a stop codon.
Molecular consequence: nonsense.
Genome position (GRCh38, 1-based): chr3:141,553,911, T>G. VCF-style: chr3-141553911-T-G. GRCh37 (hg19) VCF-style: chr3-141272753-T-G.
Other names: c.582T>G, p.Tyr194Ter (NM_001303245.3, NM_001303246.3); short protein forms Y194*.
Identifiers: ClinVar variation 2766680 (VCV002766680.3), dbSNP rs773551259, ClinGen allele CA354772523.
Genomic context (GRCh38, chr3:141,553,911, plus strand): 5'-CCTTAGCATCAAGGCATGCCATGGGTTGCCTCTCATAAATGGCCAAAGCTGTGACCCTTA[T>G]GCAACAGTTTCTCTAGTGGGCCCTTCTAGGTAATATTTATTGAATTATTATTAGGTTTTA-3'

ClinVar aggregate classification (germline): Uncertain significance (1 of 4 stars; one submission).

Submission:

Labcorp Genetics (formerly Invitae), Labcorp
Classification: Uncertain significance. Last evaluated: 2023-10-07. Review status: criteria provided, single submitter. Criteria: Invitae Variant Classification Sherloc (09022015). Collection method: clinical testing. Allele origin: germline.
Comment: This sequence change creates a premature translational stop signal (p.Tyr194*) in the RASA2 gene. It is expected to result in an absent or disrupted protein product. However, the current clinical and genetic evidence is not sufficient to establish whether loss-of-function variants in RASA2 cause disease. This variant is not present in population databases (gnomAD no frequency). This variant has not been reported in the literature in individuals affected with RASA2-related conditions. Algorithms developed to predict the effect of sequence changes on RNA splicing suggest that this variant may disrupt the consensus splice site. In summary, the available evidence is currently insufficient to determine the role of this variant in disease. Therefore, it has been classified as a Variant of Uncertain Significance.